The following is an entry in ClinVar:

ClinVar aggregate classification (germline): Uncertain significance (1 of 4 stars; one submission).

Conditions:
Specific granule deficiency. Identifiers: Orphanet 169142, MedGen C0398593, MONDO:0009506.

Allele frequency attached by ClinVar (database versions not stated): gnomAD exomes 0.00002; ESP Exome Variant Server 0.00008; gnomAD 0.00001; TOPMed 0.00002; ExAC 0.00003.

Submission:

Labcorp Genetics (formerly Invitae), Labcorp
Classification: Uncertain significance for Specific granule deficiency. Last evaluated: 2024-10-24. Review status: criteria provided, single submitter. Criteria: Invitae Variant Classification Sherloc (09022015). Collection method: clinical testing. Allele origin: germline.
Comment: This sequence change replaces cysteine, which is neutral and slightly polar, with serine, which is neutral and polar, at codon 34 of the CEBPE protein (p.Cys34Ser). This variant is present in population databases (rs376629444, gnomAD 0.005%). This variant has not been reported in the literature in individuals affected with CEBPE-related conditions. ClinVar contains an entry for this variant (Variation ID: 847959). An algorithm developed to predict the effect of missense changes on protein structure and function (PolyPhen-2) suggests that this variant is likely to be disruptive. In summary, the available evidence is currently insufficient to determine the role of this variant in disease. Therefore, it has been classified as a Variant of Uncertain Significance.

NM_001805.4(CEBPE):c.100T>A (p.Cys34Ser)

Gene: CEBPE (CCAAT enhancer binding protein epsilon; minus strand). Cytogenetic location: 14q11.2.
Variant type: single nucleotide variant.
Coding change: c.100T>A on transcript NM_001805.4 (MANE Select); coding-DNA position 100, T replaced by A.
Protein change: p.Cys34Ser; replaces cysteine 34 with serine.
Molecular consequence: missense variant.
Genome position (GRCh38, 1-based): chr14:23,118,992, A>T on the plus strand (T>A on the coding strand, the complement: CEBPE is on the minus strand). VCF-style: chr14-23118992-A-T. GRCh37 (hg19) VCF-style: chr14-23588201-A-T.
Other names: short protein forms C34S.
Identifiers: ClinVar variation 847959 (VCV000847959.7), dbSNP rs376629444, ClinGen allele CA7111294.
Genomic context (GRCh38, chr14:23,118,992, plus strand): 5'-GAAGCTGCTCTTCCCCAGACTCGATGTAGGCGGAGAGGTCAATGGAGGCCTCATGCTCAC[A>T]CATGTCCCCTAGCTCCCCGGGCCCAGCTCGGCCCCCTGAGAACTCGAGTGGCTGCTGGCC-3'
Protein context (NP_001796.2, residues 24-44): RAGPGELGDM[Cys34Ser]EHEASIDLSA